The following is an entry in ClinVar:

ClinVar aggregate classification (germline): Conflicting classifications of pathogenicity. Review status: criteria provided, conflicting classifications (1 of 4 stars). 2 submissions from 2 submitters: Uncertain significance (1); Likely benign (1). Last evaluated 2025-11-18.

Conditions:
EGFR-related lung cancer (EGFR). Identifiers: MedGen CN130014.
Hereditary cancer-predisposing syndrome. Also called: Neoplastic Syndromes, Hereditary; Hereditary Cancer Syndrome; Tumor predisposition; Hereditary neoplastic syndrome. Identifiers: Orphanet 140162, MedGen C0027672, MeSH D009386, MONDO:0015356.

Allele frequency attached by ClinVar (database versions not stated): ExAC 0.00002; ESP Exome Variant Server 0.00008; gnomAD 0.00009 and 0.00010; 1000 Genomes Project 30x 0.00016; 1000 Genomes Project 0.00020.
gnomAD v4.1: 47 of 1,613,974 alleles (0.0029%); highest among the groups gnomAD compares: African/African-American, 0.032%; no homozygotes.

Submissions (2):

Labcorp Genetics (formerly Invitae), Labcorp
Classification: Likely benign for EGFR-related lung cancer. Last evaluated: 2025-11-18. Review status: criteria provided, single submitter. Criteria: Invitae Variant Classification Sherloc (09022015). Collection method: clinical testing. Allele origin: germline.

Ambry Genetics
Classification: Uncertain significance for Hereditary cancer-predisposing syndrome. Last evaluated: 2025-02-14. Review status: criteria provided, single submitter. Criteria: Ambry Variant Classification Scheme 2023. Collection method: clinical testing. Allele origin: germline.
Comment: The c.425-5C>T intronic variant results from a C to T substitution 5 nucleotides upstream from coding exon 4 in the EGFR gene. This nucleotide position is poorly conserved in available vertebrate species. In silico splice site analysis predicts that this alteration will not have any significant effect on splicing. Based on the available evidence, the clinical significance of this variant remains unclear.

NM_005228.5(EGFR):c.425-5C>T

Gene: EGFR (epidermal growth factor receptor; plus strand). Cytogenetic location: 7p11.2.
Variant type: single nucleotide variant.
Coding change: c.425-5C>T on transcript NM_005228.5 (MANE Select); 5 bases into the intron before coding-DNA position 425, C replaced by T.
Molecular consequence: intron variant.
Genome position (GRCh38, 1-based): chr7:55,146,601, C>T. VCF-style: chr7-55146601-C-T. GRCh37 (hg19) VCF-style: chr7-55214294-C-T.
Other names: c.424+3113C>T (NM_001346899.2, NM_001346897.2); c.89-9229C>T (NM_001346941.2); c.425-5C>T (NM_001346898.2, NM_201284.2, NM_201282.2 and 2 more transcripts); c.266-5C>T (NM_001346900.2).
Identifiers: ClinVar variation 1131249 (VCV001131249.10), dbSNP rs189130668, ClinGen allele CA4265217.